The following is an entry in ClinVar:

ClinVar aggregate classification (germline): Likely benign (0 of 4 stars; one submission).

Conditions:
SEMA3G-related disorder. Also called: SEMA3G-related condition.

Submission:

PreventionGenetics, part of Exact Sciences
Classification: Likely benign for SEMA3G-related condition. Last evaluated: 2023-05-08. Review status: no assertion criteria provided. Collection method: clinical testing. Allele origin: germline.
Comment: This variant is classified as likely benign based on ACMG/AMP sequence variant interpretation guidelines (Richards et al. 2015 PMID: 25741868, with internal and published modifications).

NM_020163.3(SEMA3G):c.291G>A (p.Pro97=)

Gene: SEMA3G (semaphorin 3G; minus strand). Cytogenetic location: 3p21.1.
Variant type: single nucleotide variant.
Coding change: c.291G>A on transcript NM_020163.3 (MANE Select); coding-DNA position 291, G replaced by A.
Protein change: p.Pro97=; no amino-acid change (proline 97 retained).
Molecular consequence: synonymous variant.
Genome position (GRCh38, 1-based): chr3:52,442,607, C>T on the plus strand (G>A on the coding strand, the complement: SEMA3G is on the minus strand). VCF-style: chr3-52442607-C-T. GRCh37 (hg19) VCF-style: chr3-52476623-C-T.
Identifiers: ClinVar variation 3355719 (VCV003355719.1).
Genomic context (GRCh38, chr3:52,442,607, plus strand): 5'-GACAGCACTCACCAAAGGATCTCTTCCCTTTCGAACACACTCCTCCCTCTGTCCTGGCTG[C>T]GGTGGCCACAGGACCTGGAACACAGCCCCGCTGACCTCAGGTCCTCCCCTGATCTCACAG-3'
Protein context (NP_064548.1, residues 87-107): WPDPREVLWP[Pro97=]QPGQREECVR